The following is an entry in ClinVar:

NM_175607.3(CNTN4):c.2450A>T (p.Asp817Val)

Genes: CNTN4 (contactin 4; plus strand), CNTN4-AS1 (CNTN4 antisense RNA 1; minus strand). Cytogenetic location: 3p26.2.
Variant type: single nucleotide variant.
Coding change: c.2450A>T on transcript NM_175607.3 (MANE Select); coding-DNA position 2450, A replaced by T.
Protein change: p.Asp817Val; replaces aspartic acid 817 with valine.
Molecular consequence: missense variant.
Genome position (GRCh38, 1-based): chr3:3,042,361, A>T. VCF-style: chr3-3042361-A-T. GRCh37 (hg19) VCF-style: chr3-3084045-A-T.
Other names: c.2450A>T, p.Asp817Val (NM_001206955.2, NM_001350095.2); c.1463A>T, p.Asp488Val (NM_001206956.2); c.1466A>T, p.Asp489Val (NM_175613.3); short protein forms D488V, D489V, D817V.
Identifiers: ClinVar variation 734423 (VCV000734423.7), dbSNP rs146888168, ClinGen allele CA2227731.

ClinVar aggregate classification (germline): Likely benign. Review status: criteria provided, multiple submitters, no conflicts (2 of 4 stars). 3 submissions from 3 submitters: Likely benign (2). 1 of the submissions does not count toward it. Last evaluated 2019-12-31.

Conditions:
CNTN4-related disorder. Also called: CNTN4-related condition.

Allele frequency attached by ClinVar (database versions not stated): 1000 Genomes Project 30x 0.00062; 1000 Genomes Project 0.00080; TOPMed 0.00108; ESP Exome Variant Server 0.00138; gnomAD exomes 0.00148; ExAC 0.00149; gnomAD 0.00151 and 0.00153.
gnomAD v4.1: 3,076 of 1,614,114 alleles (0.19%); highest among the groups gnomAD compares: Non-Finnish European, 0.23%; 5 homozygotes.

Submissions (3):

Labcorp Genetics (formerly Invitae), Labcorp
Classification: Likely benign. Last evaluated: 2019-12-31. Review status: criteria provided, single submitter. Criteria: Invitae Variant Classification Sherloc (09022015). Collection method: clinical testing. Allele origin: germline.

Breakthrough Genomics
Classification: Likely benign. Review status: criteria provided, single submitter. Criteria: ACMG Guidelines, 2015. Collection method: not provided. Allele origin: germline. Inheritance: Unknown mechanism. Affected: yes.

PreventionGenetics, part of Exact Sciences
Classification: Likely benign for CNTN4-related condition. Last evaluated: 2022-10-18. Review status: no assertion criteria provided. Collection method: clinical testing. Allele origin: germline. Not counted in ClinVar's aggregate classification.
Comment: This variant is classified as likely benign based on ACMG/AMP sequence variant interpretation guidelines (Richards et al. 2015 PMID: 25741868, with internal and published modifications).